The following is an entry in ClinVar:

NM_001282116.2(RFX3):c.83C>G (p.Thr28Arg)

Gene: RFX3 (regulatory factor X3; minus strand). Cytogenetic location: 9p24.2.
Variant type: single nucleotide variant.
Coding change: c.83C>G on transcript NM_001282116.2 (MANE Select); coding-DNA position 83, C replaced by G.
Protein change: p.Thr28Arg; replaces threonine 28 with arginine.
Molecular consequence: missense variant.
Genome position (GRCh38, 1-based): chr9:3,395,506, G>C on the plus strand (C>G on the coding strand, the complement: RFX3 is on the minus strand). VCF-style: chr9-3395506-G-C. GRCh37 (hg19) VCF-style: chr9-3395506-G-C.
Other names: c.83C>G, p.Thr28Arg (NM_001282117.2, NM_001377999.1, NM_002919.4 and 1 more transcripts); short protein forms T28R.
Identifiers: ClinVar variation 5020403 (VCV005020403.1).

ClinVar aggregate classification (germline): Uncertain significance (1 of 4 stars; one submission).

Submission:

Dasa
Classification: Uncertain significance. Last evaluated: 2026-06-10. Review status: criteria provided, single submitter. Criteria: DASA Assertion Criteria. Collection method: clinical testing. Allele origin: germline.
Comment: NM_001282116.2(RFX3):c.83C>G (p.Thr28Arg) is a missense variant that results in the substitution of threonine with arginine. This variant is rare in population databases. Computational prediction algorithms are consistent with a benign effect. The currently available literature and clinical evidence are not sufficient to establish a definitive association between this variant and the reported condition. Therefore, this variant is classified as a variant of uncertain significance.